The following is an entry in ClinVar:

NM_001379200.1(TBX1):c.1165G>A (p.Gly389Ser)

Gene: TBX1 (T-box transcription factor 1; plus strand). Cytogenetic location: 22q11.21.
Variant type: single nucleotide variant.
Coding change: c.1165G>A on transcript NM_001379200.1 (MANE Select); coding-DNA position 1165, G replaced by A.
Protein change: p.Gly389Ser; replaces glycine 389 with serine.
Molecular consequence: missense variant. On other transcripts: intron variant (2).
Genome position (GRCh38, 1-based): chr22:19,766,517, G>A. VCF-style: chr22-19766517-G-A. GRCh37 (hg19) VCF-style: chr22-19754040-G-A.
Other names: c.1138G>A, p.Gly380Ser (NM_080647.1); c.1009+515G>A (NM_005992.1, NM_080646.2); short protein forms G389S, G380S.
Identifiers: ClinVar variation 2996292 (VCV002996292.3), dbSNP rs1400590591, ClinGen allele CA410684357.

ClinVar aggregate classification (germline): Uncertain significance (1 of 4 stars; one submission).

Conditions:
DiGeorge syndrome. Also called: Catch22; THIRD AND FOURTH PHARYNGEAL POUCH SYNDROME. Identifiers: Orphanet 567, MedGen C0012236, MONDO:0008564, OMIM 188400.

Allele frequency attached by ClinVar (database versions not stated): TOPMed below 0.00001; gnomAD 0.00001.

Submission:

Labcorp Genetics (formerly Invitae), Labcorp
Classification: Uncertain significance for DiGeorge syndrome. Last evaluated: 2023-10-23. Review status: criteria provided, single submitter. Criteria: Invitae Variant Classification Sherloc (09022015). Collection method: clinical testing. Allele origin: germline.
Comment: This sequence change replaces glycine, which is neutral and non-polar, with serine, which is neutral and polar, at codon 380 of the TBX1 protein (p.Gly380Ser). This variant is not present in population databases (gnomAD no frequency). This variant has not been reported in the literature in individuals affected with TBX1-related conditions. Algorithms developed to predict the effect of missense changes on protein structure and function output the following: SIFT: "Not Available"; PolyPhen-2: "Benign"; Align-GVGD: "Not Available". The serine amino acid residue is found in multiple mammalian species, which suggests that this missense change does not adversely affect protein function. In summary, the available evidence is currently insufficient to determine the role of this variant in disease. Therefore, it has been classified as a Variant of Uncertain Significance.